The following is an entry in ClinVar:

ClinVar aggregate classification (germline): Uncertain significance (1 of 4 stars; one submission).

Conditions:
Short-rib thoracic dysplasia 10 with or without polydactyly (SRTD10). Identifiers: Orphanet 474, MedGen C3810175, MONDO:0014284, OMIM 615630.
Retinitis pigmentosa 71 (RP71). Identifiers: Orphanet 791, MedGen C4225342, MONDO:0014618, OMIM 616394.

Submission:

Labcorp Genetics (formerly Invitae), Labcorp
Classification: Uncertain significance for Retinitis pigmentosa 71; Short-rib thoracic dysplasia 10 with or without polydactyly. Last evaluated: 2020-08-03. Review status: criteria provided, single submitter. Criteria: Invitae Variant Classification Sherloc (09022015). Collection method: clinical testing. Allele origin: germline.
Comment: In summary, the available evidence is currently insufficient to determine the role of this variant in disease. Therefore, it has been classified as a Variant of Uncertain Significance. Experimental studies and prediction algorithms are not available or were not evaluated, and the functional significance of this variant is currently unknown. This variant has not been reported in the literature in individuals with IFT172-related conditions. This variant results in a copy number gain of the genomic region encompassing exon(s) 41-42 of the IFT172 gene. While the exact position of this variant cannot be determined from the data, sub-genic copy number gains are generally in tandem (PMID: 25640679). This variant is predicted to be in-frame, and likely preserves the integrity of the reading frame.

Literature cited by the submitters: PubMed 25640679.

NC_000002.11:g.(?_27670372)_(27670799_?)dup

Gene: IFT172 (intraflagellar transport 172; minus strand). Cytogenetic location: 2p23.3.
Variant type: Duplication.
Identifiers: ClinVar variation 1004275 (VCV001004275.3).